The following is an entry in ClinVar:

NM_018896.5(CACNA1G):c.6872G>A (p.Gly2291Glu)

Gene: CACNA1G (calcium voltage-gated channel subunit alpha1 G; plus strand). Cytogenetic location: 17q21.33.
Variant type: single nucleotide variant.
Coding change: c.6872G>A on transcript NM_018896.5 (MANE Select); coding-DNA position 6872, G replaced by A.
Protein change: p.Gly2291Glu; replaces glycine 2291 with glutamic acid.
Molecular consequence: missense variant. On other transcripts: non-coding transcript variant (5).
Genome position (GRCh38, 1-based): chr17:50,626,489, G>A. VCF-style: chr17-50626489-G-A. GRCh37 (hg19) VCF-style: chr17-48703850-G-A.
Other names: c.6683G>A, p.Gly2228Glu (NM_001256324.2); c.6614G>A, p.Gly2205Glu (NM_001256325.2); c.6602G>A, p.Gly2201Glu (NM_001256326.2); c.6572G>A, p.Gly2191Glu (NM_001256327.2); c.6518G>A, p.Gly2173Glu (NM_001256328.2); c.6491G>A, p.Gly2164Glu (NM_001256329.2, NM_198387.3); c.6458G>A, p.Gly2153Glu (NM_001256330.2); c.6437G>A, p.Gly2146Glu (NM_001256331.2); and 18 more; short protein forms G2085E, G2108E, G2119E, G2141E, G2146E, G2153E, G2157E, G2160E.
Identifiers: ClinVar variation 1706176 (VCV001706176.2), dbSNP rs765996819, ClinGen allele CA8653746.

ClinVar aggregate classification (germline): Uncertain significance (1 of 4 stars; one submission).

Allele frequency attached by ClinVar (database versions not stated): gnomAD exomes 0.00001; gnomAD 0.00003; ExAC 0.00004; TOPMed 0.00004.
gnomAD v4.1: 8 of 1,592,756 alleles (0.0005%); highest among the groups gnomAD compares: African/African-American, 0.0095%; no homozygotes.

Submission:

GeneDx
Classification: Uncertain significance. Last evaluated: 2022-03-14. Review status: criteria provided, single submitter. Criteria: GeneDx Variant Classification Process June 2021. Collection method: clinical testing. Allele origin: germline. Affected: yes.
Comment: In silico analysis supports that this missense variant does not alter protein structure/function; Has not been previously published as pathogenic or benign to our knowledge